The following is an entry in ClinVar:

ClinVar aggregate classification (germline): Uncertain significance. Review status: criteria provided, multiple submitters, no conflicts (2 of 4 stars). 2 submissions from 2 submitters: Uncertain significance (2). Last evaluated 2023-10-01.

Conditions:
Distal hereditary motor neuropathy type 2. Identifiers: Orphanet 139525, MedGen C3711384, MeSH C580044, MONDO:0015352.

Allele frequency attached by ClinVar (database versions not stated): gnomAD exomes below 0.00001.
gnomAD v4.1: 3 of 1,613,654 alleles (0.00019%); highest among the groups gnomAD compares: South Asian, 0.0011%; no homozygotes.

Submissions (2):

CeGaT Center for Human Genetics Tuebingen
Classification: Uncertain significance. Last evaluated: 2023-10-01. Review status: criteria provided, single submitter. Criteria: CeGaT Center For Human Genetics Tuebingen Variant Classification Criteria Version 2. Collection method: clinical testing. Allele origin: germline. Affected: yes. Observed: 1 variant allele.
Comment: FBXO38: PM2

Labcorp Genetics (formerly Invitae), Labcorp
Classification: Uncertain significance for Distal hereditary motor neuropathy type 2. Last evaluated: 2022-07-11. Review status: criteria provided, single submitter. Criteria: Invitae Variant Classification Sherloc (09022015). Collection method: clinical testing. Allele origin: germline.
Comment: This variant is not present in population databases (gnomAD no frequency). This variant has not been reported in the literature in individuals affected with FBXO38-related conditions. Algorithms developed to predict the effect of missense changes on protein structure and function are either unavailable or do not agree on the potential impact of this missense change (SIFT: "Deleterious"; PolyPhen-2: "Probably Damaging"; Align-GVGD: "Class C0"). In summary, the available evidence is currently insufficient to determine the role of this variant in disease. Therefore, it has been classified as a Variant of Uncertain Significance. This sequence change replaces alanine, which is neutral and non-polar, with threonine, which is neutral and polar, at codon 125 of the FBXO38 protein (p.Ala125Thr).

NM_205836.3(FBXO38):c.373G>A (p.Ala125Thr)

Gene: FBXO38 (F-box protein 38; plus strand). Cytogenetic location: 5q32.
Variant type: single nucleotide variant.
Coding change: c.373G>A on transcript NM_205836.3 (MANE Select); coding-DNA position 373, G replaced by A.
Protein change: p.Ala125Thr; replaces alanine 125 with threonine.
Molecular consequence: missense variant.
Genome position (GRCh38, 1-based): chr5:148,402,092, G>A. VCF-style: chr5-148402092-G-A. GRCh37 (hg19) VCF-style: chr5-147781655-G-A.
Other names: c.373G>A, p.Ala125Thr (NM_001271723.2, NM_030793.5); short protein forms A125T.
Identifiers: ClinVar variation 2196298 (VCV002196298.28), dbSNP rs2531708500, ClinGen allele CA361654863.
Genomic context (GRCh38, chr5:148,402,092, plus strand): 5'-GAACAGCTATATGGCCTTCACCCTCGATACCTTGAGAGGCGAAGAGTAAGGGGCCATGAG[G>A]CTTTTAGCATTCCAGGAGTCCTAGAAGCTTTGCAGGCATGCCCAAACTTAGTGGTGAGTG-3'
Protein context (NP_995308.1, residues 115-135): LERRRVRGHE[Ala125Thr]FSIPGVLEAL